The following is an entry in ClinVar:

NM_014639.4(SKIC3):c.3514C>T (p.Gln1172Ter)

Gene: SKIC3 (SKI3 subunit of superkiller complex; minus strand). Cytogenetic location: 5q15.
Variant type: single nucleotide variant.
Coding change: c.3514C>T on transcript NM_014639.4 (MANE Select); coding-DNA position 3514, C replaced by T.
Protein change: p.Gln1172Ter; replaces glutamine 1172 with a stop codon.
Molecular consequence: nonsense.
Genome position (GRCh38, 1-based): chr5:95,498,419, G>A on the plus strand (C>T on the coding strand, the complement: SKIC3 is on the minus strand). VCF-style: chr5-95498419-G-A. GRCh37 (hg19) VCF-style: chr5-94834123-G-A.
Other names: short protein forms Q1172*.
Identifiers: ClinVar variation 1931175 (VCV001931175.6), dbSNP rs780738565, ClinGen allele CA3346708.

ClinVar aggregate classification (germline): Conflicting classifications of pathogenicity. Review status: criteria provided, conflicting classifications (1 of 4 stars). 2 submissions from 2 submitters: Pathogenic (1); Uncertain significance (1). Last evaluated 2023-12-11.

Allele frequency attached by ClinVar (database versions not stated): gnomAD 0.00001; gnomAD exomes 0.00001; ExAC 0.00002; TOPMed 0.00005.
gnomAD v4.1: 7 of 1,614,018 alleles (0.00043%); highest among the groups gnomAD compares: Admixed American, 0.0083%; no homozygotes.

Submissions (2):

Labcorp Genetics (formerly Invitae), Labcorp
Classification: Pathogenic. Last evaluated: 2023-12-11. Review status: criteria provided, single submitter. Criteria: Invitae Variant Classification Sherloc (09022015). Collection method: clinical testing. Allele origin: germline.
Comment: This sequence change creates a premature translational stop signal (p.Gln1172*) in the TTC37 gene. It is expected to result in an absent or disrupted protein product. Loss-of-function variants in TTC37 are known to be pathogenic (PMID: 20176027, 21120949). This variant is present in population databases (rs780738565, gnomAD 0.009%). This variant has not been reported in the literature in individuals affected with TTC37-related conditions. ClinVar contains an entry for this variant (Variation ID: 1931175). For these reasons, this variant has been classified as Pathogenic.

GeneDx
Classification: Uncertain significance. Last evaluated: 2023-04-12. Review status: criteria provided, single submitter. Criteria: GeneDx Variant Classification Process June 2021. Collection method: clinical testing. Allele origin: germline. Affected: yes.
Comment: Has not been previously reported in peer-reviewed literature as pathogenic or benign to our knowledge. However, in an abstract by Polo et al. (2019), p.(Q1172*) was seen phase unknown with a second TTC37 variant in a proband with clinical features of trichohepatoenteric syndrome; Nonsense variant predicted to result in protein truncation or nonsense mediated decay in a gene for which loss of function is a known mechanism of disease; This variant is associated with the following publications: (PMID: Polo_2019_Abstract)

Literature cited by the submitters: PubMed 20176027 (cited by Labcorp Genetics (formerly Invitae), Labcorp); PubMed 21120949 (cited by Labcorp Genetics (formerly Invitae), Labcorp).